The following is an entry in ClinVar:

ClinVar aggregate classification (germline): Benign (1 of 4 stars; one submission).

Submission:

GeneDx
Classification: Benign. Last evaluated: 2018-06-18. Review status: criteria provided, single submitter. Criteria: GeneDx Variant Classification (06012015). Collection method: clinical testing. Allele origin: germline. Affected: yes.
Comment: This variant is considered likely benign or benign based on one or more of the following criteria: it is a conservative change, it occurs at a poorly conserved position in the protein, it is predicted to be benign by multiple in silico algorithms, and/or has population frequency not consistent with disease.

NM_001003800.2(BICD2):c.454-234_454-233insGTGTCAG

Gene: BICD2 (BICD cargo adaptor 2; minus strand). Cytogenetic location: 9q22.31.
Variant type: Insertion.
Coding change: c.454-234_454-233insGTGTCAG on transcript NM_001003800.2 (MANE Select); 234 bases into the intron before coding-DNA position 454 through 233 bases into the intron before coding-DNA position 454, GTGTCAG inserted.
Molecular consequence: intron variant.
Genome position: GRCh38 VCF-style: chr9-92723041-C-CCCTGACA. GRCh37 (hg19) VCF-style: chr9-95485323-C-CCCTGACA.
Other names: c.454-234_454-233insGTGTCAG (NM_015250.4).
Identifiers: ClinVar variation 678242 (VCV000678242.1), dbSNP rs61259632, ClinGen allele CA196342801.